The following is an entry in ClinVar:

ClinVar aggregate classification (germline): Conflicting classifications of pathogenicity. Review status: criteria provided, conflicting classifications (1 of 4 stars). 2 submissions from 2 submitters: Uncertain significance (1); Likely benign (1). Last evaluated 2025-12-08.

Allele frequency attached by ClinVar (database versions not stated): gnomAD exomes 0.00001; ExAC 0.00002; TOPMed 0.00003; gnomAD 0.00004.
gnomAD v4.1: 21 of 1,613,398 alleles (0.0013%); highest among the groups gnomAD compares: Non-Finnish European, 0.0018%; no homozygotes.

Submissions (2):

Labcorp Genetics (formerly Invitae), Labcorp
Classification: Likely benign. Last evaluated: 2025-12-08. Review status: criteria provided, single submitter. Criteria: Invitae Variant Classification Sherloc (09022015). Collection method: clinical testing. Allele origin: germline.

CeGaT Center for Human Genetics Tuebingen
Classification: Uncertain significance. Last evaluated: 2023-11-01. Review status: criteria provided, single submitter. Criteria: CeGaT Center For Human Genetics Tuebingen Variant Classification Criteria Version 2. Collection method: clinical testing. Allele origin: germline. Affected: yes. Observed: 1 variant allele.
Comment: RASGRP1: PM2, BP4

NM_005739.4(RASGRP1):c.849+8A>G

Gene: RASGRP1 (RAS guanyl releasing protein 1; minus strand). Cytogenetic location: 15q14.
Variant type: single nucleotide variant.
Coding change: c.849+8A>G on transcript NM_005739.4 (MANE Select); 8 bases into the intron after coding-DNA position 849, A replaced by G.
Molecular consequence: intron variant.
Genome position (GRCh38, 1-based): chr15:38,512,775, T>C on the plus strand (A>G on the coding strand, the complement: RASGRP1 is on the minus strand). VCF-style: chr15-38512775-T-C. GRCh37 (hg19) VCF-style: chr15-38804976-T-C.
Other names: c.849+8A>G (NM_001306086.2, NM_001128602.2).
Identifiers: ClinVar variation 2645160 (VCV002645160.27), dbSNP rs773884209, ClinGen allele CA7471031.
Genomic context (GRCh38, chr15:38,512,775, plus strand): 5'-GCTGGAGGAAAAGGGGATAGAAAGTTTACCTTATAGCCCAAGCCAAATGTCTTAAACCAG[T>C]TATTCACCTGAGCCACCTGGATGAACTTGATGAAGACTTCTGCTCGGAGCTGCGGCGTGG-3'